The following is an entry in ClinVar:

ClinVar aggregate classification (germline): Uncertain significance (1 of 4 stars; one submission).

Conditions:
Autosomal recessive limb-girdle muscular dystrophy type 2C (LGMDR5). Also called: MUSCULAR DYSTROPHY, DUCHENNE-LIKE; MUSCULAR DYSTROPHY, LIMB-GIRDLE, AUTOSOMAL RECESSIVE 5. Identifiers: Orphanet 353, MedGen C0410173, MONDO:0009677, OMIM 253700. Disease mechanism: Affects gamma-sarcoglycan and also disrupts the integrity of the entire sarcoglycan complex..

gnomAD v4.1: 2 of 1,612,740 alleles (0.00012%); highest among the groups gnomAD compares: South Asian, 0.0011%; no homozygotes.

Submission:

Labcorp Genetics (formerly Invitae), Labcorp
Classification: Uncertain significance for Autosomal recessive limb-girdle muscular dystrophy type 2C. Last evaluated: 2021-09-01. Review status: criteria provided, single submitter. Criteria: Invitae Variant Classification Sherloc (09022015). Collection method: clinical testing. Allele origin: germline.
Comment: This sequence change replaces alanine with glutamic acid at codon 115 of the SGCG protein (p.Ala115Glu). The alanine residue is highly conserved and there is a moderate physicochemical difference between alanine and glutamic acid. This variant is present in population databases (rs774245371, ExAC 0.006%). This variant has not been reported in the literature in individuals affected with SGCG-related conditions. Algorithms developed to predict the effect of missense changes on protein structure and function are either unavailable or do not agree on the potential impact of this missense change (SIFT: "Deleterious"; PolyPhen-2: "Probably Damaging"; Align-GVGD: "Class C0"). In summary, the available evidence is currently insufficient to determine the role of this variant in disease. Therefore, it has been classified as a Variant of Uncertain Significance.

NM_000231.3(SGCG):c.344C>A (p.Ala115Glu)

Gene: SGCG (sarcoglycan gamma; plus strand). Cytogenetic location: 13q12.12.
Variant type: single nucleotide variant.
Coding change: c.344C>A on transcript NM_000231.3 (MANE Select); coding-DNA position 344, C replaced by A.
Protein change: p.Ala115Glu; replaces alanine 115 with glutamic acid.
Molecular consequence: missense variant.
Genome position (GRCh38, 1-based): chr13:23,250,676, C>A. VCF-style: chr13-23250676-C-A. GRCh37 (hg19) VCF-style: chr13-23824815-C-A.
Other names: c.398C>A, p.Ala133Glu (NM_001378244.1); c.344C>A, p.Ala115Glu (NM_001378245.1, NM_001378246.1); short protein forms A115E, A133E.
Identifiers: ClinVar variation 956970 (VCV000956970.7), dbSNP rs774245371, ClinGen allele CA6909649.